The following is an entry in ClinVar:

ClinVar aggregate classification (germline): Pathogenic. Review status: criteria provided, multiple submitters, no conflicts (2 of 4 stars). 9 submissions from 9 submitters: Pathogenic (7). 2 of the submissions do not count toward it. Last evaluated 2026-01-18.

Conditions:
Cholesteryl ester storage disease (CESD). Also called: Childhood/Adult-Onset LAL-D (Cholesterol Ester Storage Disease [CESD]). Identifiers: Orphanet 75234, MedGen C0008384, MONDO:0019149, OMIM 278000.
Wolman disease (WOLD). Also called: Infantile-Onset LAL-D (Wolman Disease); Acid cholesteryl ester hydrolase deficiency, Wolman type; Acid lipase disease; Wolman disease with hypolipoproteinemia and acanthocytosis; Wolman disease, CESD; LYSOSOMAL ACID LIPASE DEFICIENCY, ACUTE INFANTILE. Identifiers: Orphanet 75233, MedGen C0043208, MONDO:0019148, OMIM 620151.
LIPA-related disorder. Also called: LIPA-related condition; LIPA-related disorders.
Lysosomal acid lipase deficiency. Also called: Acid cholesteryl ester hydrolase deficiency, type 2. Identifiers: Orphanet 275761, MedGen C5574740, MONDO:0800449, MONDO:0010204.

Allele frequency attached by ClinVar (database versions not stated): gnomAD exomes below 0.00001 and 0.00001; TOPMed 0.00001; gnomAD 0.00003 and 0.00004.
gnomAD v4.1: 13 of 1,612,760 alleles (0.00081%); highest among the groups gnomAD compares: Non-Finnish European, 0.0011%; no homozygotes.

Submissions (9):

Labcorp Genetics (formerly Invitae), Labcorp
Classification: Pathogenic for Wolman disease. Last evaluated: 2026-01-18. Review status: criteria provided, single submitter. Criteria: Invitae Variant Classification Sherloc (09022015). Collection method: clinical testing. Allele origin: germline.
Comment: This sequence change creates a premature translational stop signal (p.Gly266*) in the LIPA gene. It is expected to result in an absent or disrupted protein product. Loss-of-function variants in LIPA are known to be pathogenic (PMID: 23485521). This variant is present in population databases (rs267607218, gnomAD 0.002%). This premature translational stop signal has been observed in individual(s) with lysosomal acid lipase (LAL) deficiency (PMID: 28881270, 30684275). ClinVar contains an entry for this variant (Variation ID: 78). Algorithms developed to predict the effect of sequence changes on RNA splicing suggest that this variant may disrupt the consensus splice site. For these reasons, this variant has been classified as Pathogenic.

3billion
Classification: Pathogenic for LIPA-related disorder. Last evaluated: 2026-01-13. Review status: criteria provided, single submitter. Criteria: ACMG Guidelines, 2015. Collection method: clinical testing. Allele origin: germline. Affected: yes.
Comment: The variant is observed at an extremely low frequency in the gnomAD v4.1.0 dataset (total allele frequency: <0.001%). Predicted Consequence/Location: Stop-gained (nonsense): predicted to result in a loss or disruption of normal protein function through nonsense-mediated decay (NMD) or protein truncation. Multiple pathogenic variants are reported downstream of the variant. The variant has been reported at least twice as pathogenic with clinical assertions and evidence for the classification (ClinVar ID: VCV000000078 /PMID: 8617513 /3billion dataset). Therefore, this variant is classified as Pathogenic according to the recommendation of ACMG/AMP guideline.

Blueprint Genetics
Classification: Pathogenic for LIPA-related disorders. Last evaluated: 2024-10-30. Review status: criteria provided, single submitter. Criteria: ACMG Guidelines, 2015. Collection method: clinical testing. Allele origin: germline. Affected: yes. Observed: 5 variant alleles.

Natera, Inc.
Classification: Pathogenic for Lysosomal acid lipase deficiency. Last evaluated: 2024-08-19. Review status: criteria provided, single submitter. Criteria: Natera Variant Classification Schema (03/2026). Collection method: clinical testing. Allele origin: germline.
Comment: The c.796G>T variant in LIPA is a nonsense variant predicted to introduce a stop codon at amino acid 266. This variant is expected to result in nonsense mediated decay, truncation, or a dysfunctional protein product. This variant is rare in the general population with a frequency below the threshold expected for the associated phenotype(s). This variant has been observed in one or more individuals affected with the associated recessive disease, as either homozygous or compound heterozygous with a second variant (PMID: 30684275). Given the available evidence, this variant is classified as Pathogenic.

Fulgent Genetics
Classification: Pathogenic for Cholesteryl ester storage disease; Wolman disease. Last evaluated: 2024-02-23. Review status: criteria provided, single submitter. Criteria: ACMG Guidelines, 2015. Collection method: clinical testing. Allele origin: germline.

GeneDx
Classification: Pathogenic. Last evaluated: 2022-07-26. Review status: criteria provided, single submitter. Criteria: GeneDx Variant Classification Process June 2021. Collection method: clinical testing. Allele origin: germline. Affected: yes.
Comment: Published functional studies found this variant is associated with reduced lysosomal acid lipase activity (Vinje T et al., 2018); Nonsense variant predicted to result in protein truncation or nonsense mediated decay in a gene for which loss-of-function is a known mechanism of disease; Not observed at a significant frequency in large population cohorts (gnomAD); This variant is associated with the following publications: (PMID: 25525159, 23928541, 28881270, 29196158, 26252914, 22227072, 30684275, 8617513, 33857477, 8254026)

Revvity Omics, Revvity
Classification: Pathogenic. Last evaluated: 2022-07-01. Review status: criteria provided, single submitter. Criteria: ACMG Guidelines, 2015. Collection method: clinical testing. Allele origin: germline.

Counsyl
Classification: Pathogenic for Cholesteryl ester storage disease. Last evaluated: 2017-02-22. Review status: no assertion criteria provided. Collection method: clinical testing. Allele origin: unknown. Not counted in ClinVar's aggregate classification.

OMIM
Classification: Pathogenic for CHOLESTERYL ESTER STORAGE DISEASE. Last evaluated: 1996-04-01. Review status: no assertion criteria provided. Collection method: literature only. Allele origin: germline. Not counted in ClinVar's aggregate classification.

Literature cited by the submitters: PubMed 23485521 (cited by Labcorp Genetics (formerly Invitae), Labcorp); PubMed 28881270 (cited by Labcorp Genetics (formerly Invitae), Labcorp); PubMed 30684275 (cited by Labcorp Genetics (formerly Invitae), Labcorp and Natera, Inc.); PubMed 8617513 (cited by 3 submitters); PubMed 22227072 (cited by Counsyl); PubMed 26252914 (cited by Counsyl); PubMed 8254026 (cited by OMIM).

NM_000235.4(LIPA):c.796G>T (p.Gly266Ter)

Gene: LIPA (lipase A, lysosomal acid type; minus strand). Cytogenetic location: 10q23.31.
Variant type: single nucleotide variant.
Coding change: c.796G>T on transcript NM_000235.4 (MANE Select); coding-DNA position 796, G replaced by T.
Protein change: p.Gly266Ter; replaces glycine 266 with a stop codon.
Molecular consequence: nonsense.
Genome position (GRCh38, 1-based): chr10:89,223,710, C>A on the plus strand (G>T on the coding strand, the complement: LIPA is on the minus strand). VCF-style: chr10-89223710-C-A. GRCh37 (hg19) VCF-style: chr10-90983467-C-A.
Other names: G245*; c.796G>T, p.Gly266Ter (NM_001127605.3); c.448G>T, p.Gly150Ter (NM_001288979.2); short protein forms G266*, G150*.
Identifiers: ClinVar variation 78 (VCV000000078.29), dbSNP rs267607218, ClinGen allele CA213127.